The following is an entry in ClinVar:

ClinVar aggregate classification (germline): Uncertain significance (1 of 4 stars; one submission).

Submission:

Labcorp Genetics (formerly Invitae), Labcorp
Classification: Uncertain significance. Last evaluated: 2022-02-05. Review status: criteria provided, single submitter. Criteria: Invitae Variant Classification Sherloc (09022015). Collection method: clinical testing. Allele origin: germline.
Comment: In summary, the available evidence is currently insufficient to determine the role of this variant in disease. Therefore, it has been classified as a Variant of Uncertain Significance. Algorithms developed to predict the effect of missense changes on protein structure and function (SIFT, PolyPhen-2, Align-GVGD) all suggest that this variant is likely to be disruptive. This variant has not been reported in the literature in individuals affected with LTBP2-related conditions. This variant is not present in population databases (gnomAD no frequency). This sequence change replaces proline, which is neutral and non-polar, with leucine, which is neutral and non-polar, at codon 1814 of the LTBP2 protein (p.Pro1814Leu).

NM_000428.3(LTBP2):c.5441C>T (p.Pro1814Leu)

Gene: LTBP2 (latent transforming growth factor beta binding protein 2; minus strand). Cytogenetic location: 14q24.3.
Variant type: single nucleotide variant.
Coding change: c.5441C>T on transcript NM_000428.3 (MANE Select); coding-DNA position 5441, C replaced by T.
Protein change: p.Pro1814Leu; replaces proline 1814 with leucine.
Molecular consequence: missense variant.
Genome position (GRCh38, 1-based): chr14:74,500,909, G>A on the plus strand (C>T on the coding strand, the complement: LTBP2 is on the minus strand). VCF-style: chr14-74500909-G-A. GRCh37 (hg19) VCF-style: chr14-74967612-G-A.
Other names: short protein forms P1814L.
Identifiers: ClinVar variation 1948662 (VCV001948662.5), dbSNP rs2506126829, ClinGen allele CA390381836.
Genomic context (GRCh38, chr14:74,500,909, plus strand): 5'-CATTTCCAGGTAGTTGCCACACTGACCCCTGACTGCTACTCCTTGGCAGTGCAGTGGGGG[G>A]GCCCTGCCTCAGCCACATATCCCGGGGAGCAGTGGCAGCGGTAGGAGCCCTCTGTGTTCT-3'
Protein context (NP_000419.1, residues 1804-1821): CSPGYVAEAG[Pro1814Leu]PHCTAKE